The following is an entry in ClinVar:

ClinVar aggregate classification (germline): Uncertain significance (1 of 4 stars; one submission).

Submission:

Dasa
Classification: Uncertain significance. Last evaluated: 2025-05-13. Review status: criteria provided, single submitter. Criteria: DASA Assertion Criteria. Collection method: clinical testing. Allele origin: germline.
Comment: NM_006204.4(PDE6C):c.2336T>G (p.Phe779Cys) is a missense variant that results in the substitution of phenylalanine with cysteine. This variant has been observed in affected individuals with PDE6C-related disorders. Also, this variant is absent from population databases. Computational prediction algorithms are consistent with a deleterious effect. The currently available literature and clinical evidence are not sufficient to establish a definitive association between this variant and the reported condition. Therefore, this variant is classified as a variant of uncertain significance.

NM_006204.4(PDE6C):c.2336T>G (p.Phe779Cys)

Gene: PDE6C (phosphodiesterase 6C; plus strand). Cytogenetic location: 10q23.33.
Variant type: single nucleotide variant.
Coding change: c.2336T>G on transcript NM_006204.4 (MANE Select); coding-DNA position 2336, T replaced by G.
Protein change: p.Phe779Cys; replaces phenylalanine 779 with cysteine.
Molecular consequence: missense variant.
Genome position (GRCh38, 1-based): chr10:93,662,612, T>G. VCF-style: chr10-93662612-T-G. GRCh37 (hg19) VCF-style: chr10-95422369-T-G.
Other names: short protein forms F779C.
Identifiers: ClinVar variation 4882500 (VCV004882500.2).